The following is an entry in ClinVar:

NM_021222.3(PRUNE1):c.30T>C (p.Ala10=)

Gene: PRUNE1 (prune exopolyphosphatase 1; plus strand). Cytogenetic location: 1q21.3.
Variant type: single nucleotide variant.
Coding change: c.30T>C on transcript NM_021222.3 (MANE Select); coding-DNA position 30, T replaced by C.
Protein change: p.Ala10=; no amino-acid change (alanine 10 retained).
Molecular consequence: synonymous variant. On other transcripts: 5 prime UTR variant (2), non-coding transcript variant (4).
Genome position (GRCh38, 1-based): chr1:151,008,662, T>C. VCF-style: chr1-151008662-T-C. GRCh37 (hg19) VCF-style: chr1-150981138-T-C.
Other names: c.-314T>C (NM_001303229.2); c.30T>C, p.Ala10= (NM_001303242.2); c.-230T>C (NM_001303243.2); c.30T>C (NM_021222.2).
Identifiers: ClinVar variation 2065280 (VCV002065280.6), dbSNP rs112740880, ClinGen allele CA1083646.

ClinVar aggregate classification (germline): Likely benign. Review status: criteria provided, single submitter (1 of 4 stars). 2 submissions from 2 submitters: Likely benign (1). 1 of the submissions does not count toward it. Last evaluated 2024-12-04.

Conditions:
PRUNE1-related disorder. Also called: PRUNE1-related condition.

Allele frequency attached by ClinVar (database versions not stated): gnomAD exomes 0.00005; 1000 Genomes Project 0.00060; gnomAD 0.00060; ExAC 0.00016; ESP Exome Variant Server 0.00031; TOPMed 0.00059; 1000 Genomes Project 30x 0.00078.
gnomAD v4.1: 170 of 1,614,126 alleles (0.011%); highest among the groups gnomAD compares: African/African-American, 0.17%; no homozygotes.

Submissions (2):

Labcorp Genetics (formerly Invitae), Labcorp
Classification: Likely benign. Last evaluated: 2024-12-04. Review status: criteria provided, single submitter. Criteria: Invitae Variant Classification Sherloc (09022015). Collection method: clinical testing. Allele origin: germline.

PreventionGenetics, part of Exact Sciences
Classification: Likely benign for PRUNE1-related condition. Last evaluated: 2019-04-05. Review status: no assertion criteria provided. Collection method: clinical testing. Allele origin: germline. Not counted in ClinVar's aggregate classification.
Comment: This variant is classified as likely benign based on ACMG/AMP sequence variant interpretation guidelines (Richards et al. 2015 PMID: 25741868, with internal and published modifications).